The following is an entry in ClinVar:

NM_000260.4(MYO7A):c.3651C>T (p.His1217=)

Gene: MYO7A (myosin VIIA; plus strand). Cytogenetic location: 11q13.5.
Variant type: single nucleotide variant.
Coding change: c.3651C>T on transcript NM_000260.4 (MANE Select); coding-DNA position 3651, C replaced by T.
Protein change: p.His1217=; no amino-acid change (histidine 1217 retained).
Molecular consequence: synonymous variant.
Genome position (GRCh38, 1-based): chr11:77,190,040, C>T. VCF-style: chr11-77190040-C-T. GRCh37 (hg19) VCF-style: chr11-76901085-C-T.
Other names: c.3651C>T, p.His1217= (NM_001127180.2); c.3618C>T, p.His1206= (NM_001369365.1).
Identifiers: ClinVar variation 760829 (VCV000760829.43), dbSNP rs776731918, ClinGen allele CA6198157.

ClinVar aggregate classification (germline): Likely benign. Review status: criteria provided, multiple submitters, no conflicts (2 of 4 stars). 7 submissions from 7 submitters: Likely benign (4). 3 of the submissions do not count toward it. Last evaluated 2026-04-30.

Conditions:
Usher syndrome type 1B (USH1B). Also called: Usher syndrome type IB. Identifiers: MedGen C1848638, MONDO:0700087.
MYO7A-related disorder. Also called: MYO7A-related disorders.

Allele frequency attached by ClinVar (database versions not stated): TOPMed 0.00006; gnomAD 0.00008.

Submissions (7):

PreventionGenetics, part of Exact Sciences
Classification: Likely benign for MYO7A-related condition. Last evaluated: 2026-04-30. Review status: criteria provided, single submitter. Criteria: ACMG Guidelines, 2015. Collection method: clinical testing. Allele origin: germline.
Comment: This variant is classified as likely benign based on ACMG/AMP sequence variant interpretation guidelines (Richards et al. 2015 PMID: 25741868, with internal and published modifications).

Labcorp Genetics (formerly Invitae), Labcorp
Classification: Likely benign. Last evaluated: 2025-09-25. Review status: criteria provided, single submitter. Criteria: Invitae Variant Classification Sherloc (09022015). Collection method: clinical testing. Allele origin: germline.

Blueprint Genetics
Classification: Likely benign. Last evaluated: 2024-08-19. Review status: criteria provided, single submitter. Criteria: ACMG Guidelines, 2015. Collection method: clinical testing. Allele origin: germline.

CeGaT Center for Human Genetics Tuebingen
Classification: Likely benign. Last evaluated: 2023-04-01. Review status: criteria provided, single submitter. Criteria: CeGaT Center For Human Genetics Tuebingen Variant Classification Criteria Version 2. Collection method: clinical testing. Allele origin: germline. Affected: yes. Observed: 1 variant allele.
Comment: MYO7A: BP4, BP7

Natera, Inc.
Classification: Likely benign for Usher syndrome type 1B. Last evaluated: 2020-01-28. Review status: no assertion criteria provided. Collection method: clinical testing. Allele origin: germline. Not counted in ClinVar's aggregate classification.

Clinical Genetics DNA and cytogenetics Diagnostics Lab, Erasmus MC, Erasmus Medical Center
Classification: Likely benign. Review status: no assertion criteria provided. Collection method: clinical testing. Allele origin: germline. Affected: yes. Study: VKGL Data-share Consensus. Not counted in ClinVar's aggregate classification.

Joint Genome Diagnostic Labs from Nijmegen and Maastricht, Radboudumc and MUMC+
Classification: Likely benign. Review status: no assertion criteria provided. Collection method: clinical testing. Allele origin: germline. Affected: yes. Study: VKGL Data-share Consensus. Not counted in ClinVar's aggregate classification.